The following is an entry in ClinVar:

ClinVar aggregate classification (germline): Uncertain significance (1 of 4 stars; one submission).

Conditions:
Cardiovascular phenotype. Identifiers: MedGen CN230736.

Submission:

Ambry Genetics
Classification: Uncertain significance for Cardiovascular phenotype. Last evaluated: 2024-04-07. Review status: criteria provided, single submitter. Criteria: Ambry Variant Classification Scheme 2023. Collection method: clinical testing. Allele origin: germline.
Comment: The p.P285H variant (also known as c.854C>A), located in coding exon 3 of the APOE gene, results from a C to A substitution at nucleotide position 854. The proline at codon 285 is replaced by histidine, an amino acid with similar properties. This amino acid position is conserved. In addition, the in silico prediction for this alteration is inconclusive. Based on the available evidence, the clinical significance of this variant remains unclear.

NM_000041.4(APOE):c.854C>A (p.Pro285His)

Gene: APOE (apolipoprotein E; plus strand). Cytogenetic location: 19q13.32.
Variant type: single nucleotide variant.
Coding change: c.854C>A on transcript NM_000041.4 (MANE Select); coding-DNA position 854, C replaced by A.
Protein change: p.Pro285His; replaces proline 285 with histidine.
Molecular consequence: missense variant.
Genome position (GRCh38, 1-based): chr19:44,909,150, C>A. VCF-style: chr19-44909150-C-A. GRCh37 (hg19) VCF-style: chr19-45412407-C-A.
Other names: c.932C>A, p.Pro311His (NM_001302688.2); c.854C>A, p.Pro285His (NM_001302689.2, NM_001302690.2, NM_001302691.2); short protein forms P285H, P311H.
Identifiers: ClinVar variation 3308517 (VCV003308517.1).